The following is an entry in ClinVar:

ClinVar aggregate classification (germline): Benign/Likely benign. Review status: criteria provided, multiple submitters, no conflicts (2 of 4 stars). 3 submissions from 3 submitters: Benign (2); Likely benign (1). Last evaluated 2026-07-01.

Allele frequency attached by ClinVar (database versions not stated): 1000 Genomes Project 30x 0.00172; 1000 Genomes Project 0.00180; gnomAD exomes 0.00440 and 0.00604; gnomAD 0.00482 and 0.00493; ExAC 0.00513; ESP Exome Variant Server 0.00546; TOPMed 0.00554.
gnomAD v4.1: 7,423 of 1,614,148 alleles (0.46%); highest among the groups gnomAD compares: Middle Eastern, 2.4%; 100 homozygotes.

Submissions (3):

CeGaT Center for Human Genetics Tuebingen
Classification: Likely benign. Last evaluated: 2026-07-01. Review status: criteria provided, single submitter. Criteria: CeGaT Center For Human Genetics Tuebingen Variant Classification Criteria Version 2. Collection method: clinical testing. Allele origin: germline. Affected: yes. Observed: 2 variant alleles.
Comment: AVIL: BP4, BP7, BS2

Labcorp Genetics (formerly Invitae), Labcorp
Classification: Benign. Last evaluated: 2018-05-25. Review status: criteria provided, single submitter. Criteria: Invitae Variant Classification Sherloc (09022015). Collection method: clinical testing. Allele origin: germline.

Breakthrough Genomics
Classification: Benign. Review status: criteria provided, single submitter. Criteria: ACMG Guidelines, 2015. Collection method: not provided. Allele origin: germline. Inheritance: Autosomal recessive inheritance. Affected: yes.

NM_006576.4(AVIL):c.36C>T (p.Asn12=)

Gene: AVIL (advillin; minus strand). Cytogenetic location: 12q14.1.
Variant type: single nucleotide variant.
Coding change: c.36C>T on transcript NM_006576.4 (MANE Select); coding-DNA position 36, C replaced by T.
Protein change: p.Asn12=; no amino-acid change (asparagine 12 retained).
Molecular consequence: synonymous variant.
Genome position (GRCh38, 1-based): chr12:57,816,005, G>A on the plus strand (C>T on the coding strand, the complement: AVIL is on the minus strand). VCF-style: chr12-57816005-G-A. GRCh37 (hg19) VCF-style: chr12-58209788-G-A.
Identifiers: ClinVar variation 713418 (VCV000713418.25), dbSNP rs148769359, ClinGen allele CA6660341.